The following is an entry in ClinVar:

ClinVar aggregate classification (germline): Uncertain significance (0 of 4 stars; one submission).

Conditions:
TTN-related disorder. Also called: TTN-related disorders; TTN-related condition; TTN-related disease.

gnomAD v4.1: 9 of 1,613,142 alleles (0.00056%); highest among the groups gnomAD compares: Non-Finnish European, 0.00068%; no homozygotes.

Submission:

PreventionGenetics, part of Exact Sciences
Classification: Uncertain significance for TTN-related condition. Last evaluated: 2024-07-26. Review status: no assertion criteria provided. Collection method: clinical testing. Allele origin: germline.
Comment: The TTN c.13978C>A variant is predicted to result in the amino acid substitution p.His4660Asn. This variant is referred to as c.11311+4702C>A (intronic) on an alternate transcript NM_001267550. To our knowledge, this variant has not been reported in the literature. This variant is reported in 0.00089% of alleles in individuals of European (Non-Finnish) descent in gnomAD. At this time, the clinical significance of this variant is uncertain due to the absence of conclusive functional and genetic evidence.

NM_001267550.2(TTN):c.11311+4702C>A

Genes: TTN (titin; minus strand), LOC126806432 (CDK7 strongly-dependent group 2 enhancer GRCh37_chr2:179611985-179613184; plus strand). Cytogenetic location: 2q31.2.
Variant type: single nucleotide variant.
Coding change: c.11311+4702C>A on transcript NM_001267550.2 (MANE Select); 4702 bases into the intron after coding-DNA position 11311, C replaced by A.
Molecular consequence: intron variant. On other transcripts: missense variant (1).
Genome position (GRCh38, 1-based): chr2:178,748,422, G>T on the plus strand (C>A on the coding strand, the complement: TTN is on the minus strand). VCF-style: chr2-178748422-G-T. GRCh37 (hg19) VCF-style: chr2-179613149-G-T.
Other names: c.13978C>A, p.His4660Asn (NM_133379.5); c.10222+4702C>A (NM_003319.4); c.10798+4702C>A (NM_133437.4); c.10597+4702C>A (NM_133432.3); c.10360+4702C>A (NM_133378.4, NM_001256850.1); short protein forms H4660N.
Identifiers: ClinVar variation 3347128 (VCV003347128.1).
Genomic context (GRCh38, chr2:178,748,422, plus strand): 5'-GACTGGAAGAAATTTCTTGACTGGCAAATACATTATTTTGCACACTTTTAGAGATATTGT[G>T]TGTGTCAGGTTGTAACGTTTCAGGGCTAGGAATTTTTTCTTTATAATGTATTTCCTGCTG-3'